The following is an entry in ClinVar:

ClinVar aggregate classification (germline): Uncertain significance. Review status: criteria provided, multiple submitters, no conflicts (2 of 4 stars). 3 submissions from 3 submitters: Uncertain significance (2). 1 of the submissions does not count toward it. Last evaluated 2021-07-14.

Conditions:
Very long chain acyl-CoA dehydrogenase deficiency (ACADVLD). Also called: VLCAD Deficiency; Very Long-Chain Acyl-Coenzyme A Dehydrogenase Deficiency. Identifiers: Orphanet 26793, MedGen C3887523, MONDO:0008723, OMIM 201475.

Allele frequency attached by ClinVar (database versions not stated): gnomAD exomes below 0.00001; gnomAD 0.00001.

Submissions (3):

Labcorp Genetics (formerly Invitae), Labcorp
Classification: Uncertain significance for Very long chain acyl-CoA dehydrogenase deficiency. Last evaluated: 2021-07-14. Review status: criteria provided, single submitter. Criteria: Invitae Variant Classification Sherloc (09022015). Collection method: clinical testing. Allele origin: germline.
Comment: In summary, the available evidence is currently insufficient to determine the role of this variant in disease. Therefore, it has been classified as a Variant of Uncertain Significance. Algorithms developed to predict the effect of missense changes on protein structure and function (SIFT, PolyPhen-2, Align-GVGD) all suggest that this variant is likely to be disruptive, but these predictions have not been confirmed by published functional studies and their clinical significance is uncertain. This variant has not been reported in the literature in individuals with ACADVL-related conditions. ClinVar contains an entry for this variant (Variation ID: 198027). This variant is not present in population databases (ExAC no frequency). This sequence change replaces glycine with cysteine at codon 143 of the ACADVL protein (p.Gly143Cys). The glycine residue is highly conserved and there is a large physicochemical difference between glycine and cysteine.

Eurofins Ntd Llc (ga)
Classification: Uncertain significance. Last evaluated: 2016-12-08. Review status: criteria provided, single submitter. Criteria: EGL Classification Definitions 2015. Collection method: clinical testing. Allele origin: germline. Observed: 2 variant alleles, 2 heterozygotes.

Natera, Inc.
Classification: Uncertain significance for Very long chain acyl-CoA dehydrogenase deficiency. Last evaluated: 2025-05-08. Review status: no assertion criteria provided. Collection method: clinical testing. Allele origin: germline. Not counted in ClinVar's aggregate classification.

NM_000018.4(ACADVL):c.427G>T (p.Gly143Cys)

Gene: ACADVL (acyl-CoA dehydrogenase very long chain; plus strand). Cytogenetic location: 17p13.1.
Variant type: single nucleotide variant.
Coding change: c.427G>T on transcript NM_000018.4 (MANE Select); coding-DNA position 427, G replaced by T.
Protein change: p.Gly143Cys; replaces glycine 143 with cysteine.
Molecular consequence: missense variant.
Genome position (GRCh38, 1-based): chr17:7,221,008, G>T. VCF-style: chr17-7221008-G-T. GRCh37 (hg19) VCF-style: chr17-7124327-G-T.
Other names: c.361G>T, p.Gly121Cys (NM_001033859.3); c.496G>T, p.Gly166Cys (NM_001270447.2); c.199G>T, p.Gly67Cys (NM_001270448.2); c.427G>T (NM_000018.3); short protein forms G143C, G121C, G166C, G67C.
Identifiers: ClinVar variation 198027 (VCV000198027.13), dbSNP rs794727773, ClinGen allele CA246510.
Genomic context (GRCh38, chr17:7,221,008, plus strand): 5'-GACGCTCTGGAGATGGTGGAGGAGACCACTTGGCAGGGCCTCAAGGAGCTGGGGGCCTTT[G>T]GTCTGCAAGTGCCCAGTGAGCTGGGTGGTGTGGGCCTTTGCAACACCCAGGTGAGGGCGC-3'
Protein context (NP_000009.1, residues 133-153): WQGLKELGAF[Gly143Cys]LQVPSELGGV